The following is an entry in ClinVar:

NM_000046.5(ARSB):c.103_118del (p.Pro35fs)

Genes: ARSB (arylsulfatase B; minus strand), LOC129994126 (ATAC-STARR-seq lymphoblastoid silent region 16127; plus strand). Cytogenetic location: 5q14.1.
Variant type: Deletion.
Coding change: c.103_118del on transcript NM_000046.5 (MANE Select); coding-DNA positions 103 to 118, 16 bases deleted (CCGGGCTCGGGCGCCG).
Protein change: p.Pro35fs; shifts the reading frame from proline 35.
Molecular consequence: frameshift variant.
Genome position (GRCh38, 1-based): chr5:78,985,131-78,985,146, CGGCGCCCGAGCCCGG deleted on the plus strand (CCGGGCTCGGGCGCCG on the coding strand, the reverse complement: ARSB is on the minus strand); deleting any 16 consecutive bases within chr5:78,985,131-78,985,153 gives the same sequence; the c. name uses the placement nearest the transcript's 3' end. VCF-style (leftmost placement, unchanged base first): chr5-78985130-CCGGCGCCCGAGCCCGG-C. GRCh37 (hg19) VCF-style: chr5-78280953-CCGGCGCCCGAGCCCGG-C.
Other names: c.103_118del, p.Pro35fs (NM_198709.3); short protein forms P35fs.
Identifiers: ClinVar variation 1074983 (VCV001074983.10), dbSNP rs2112583121, ClinGen allele CA2499217923.

ClinVar aggregate classification (germline): Pathogenic (1 of 4 stars; one submission).

Conditions:
Mucopolysaccharidosis type 6 (MPS6). Also called: MPS 6; Maroteaux Lamy syndrome; MPS VI; N-ACETYLGALACTOSAMINE-4-SULFATASE DEFICIENCY; ARSB DEFICIENCY; ARYLSULFATASE B DEFICIENCY. Identifiers: Orphanet 583, MedGen C0026709, MONDO:0009661, OMIM 253200.

Submission:

Labcorp Genetics (formerly Invitae), Labcorp
Classification: Pathogenic for Mucopolysaccharidosis type 6. Last evaluated: 2020-01-05. Review status: criteria provided, single submitter. Criteria: Invitae Variant Classification Sherloc (09022015). Collection method: clinical testing. Allele origin: germline.
Comment: This variant has not been reported in the literature in individuals with ARSB-related conditions. For these reasons, this variant has been classified as Pathogenic. Loss-of-function variants in ARSB are known to be pathogenic (PMID: 17458871, 22133300). The frequency data for this variant in the population databases is considered unreliable, as metrics indicate insufficient coverage at this position in the ExAC database. This sequence change creates a premature translational stop signal (p.Pro35Glyfs*16) in the ARSB gene. It is expected to result in an absent or disrupted protein product.

Literature cited by the submitters: PubMed 17458871; PubMed 22133300.